The following is an entry in ClinVar:

ClinVar aggregate classification (germline): Pathogenic/Likely pathogenic. Review status: criteria provided, multiple submitters, no conflicts (2 of 4 stars). 6 submissions from 6 submitters: Pathogenic (4); Likely pathogenic (1). 1 of the submissions does not count toward it. Last evaluated 2025-09-29.

Conditions:
DYRK1A-related intellectual disability syndrome (MRD7). Also called: Intellectual developmental disorder, autosomal dominant 7; DYRK1A Syndrome. Identifiers: Orphanet 464306, MedGen C5568143, MONDO:0013578, OMIM 614104.
DYRK1A-related disorder.

Submissions (6):

3billion
Classification: Pathogenic for DYRK1A-related intellectual disability syndrome. Last evaluated: 2025-09-29. Review status: criteria provided, single submitter. Criteria: ACMG Guidelines, 2015. Collection method: clinical testing. Allele origin: germline. Affected: yes.
Comment: The variant is not observed in the gnomAD v4.1.0 dataset. Predicted Consequence/Location: Canonical splice site: predicted to alter splicing and result in a loss or disruption of normal protein function. Multiple pathogenic loss-of-function variants are reported downstream of the variant. In silico tools predict the variant to alter splicing and produce an abnormal transcript [SpliceAI: 1.00 (spliceogenicity >=0.2, non-spliceogenicity <0.1)]. The variant has been observed in at least two similarly affected unrelated individuals (PMID: 25707398, 31130284). The variant has been reported at least twice as pathogenic with clinical assertions and evidence for the classification (ClinVar ID: VCV000666564 /PMID: 25707398). Therefore, this variant is classified as Pathogenic according to the recommendation of ACMG/AMP guideline.

GeneDx
Classification: Pathogenic. Last evaluated: 2023-05-14. Review status: criteria provided, single submitter. Criteria: GeneDx Variant Classification Process June 2021. Collection method: clinical testing. Allele origin: germline. Affected: yes.
Comment: Canonical splice site variant predicted to result in a null allele in a gene for which loss of function is a known mechanism of disease; Not observed at significant frequency in large population cohorts (gnomAD); This variant is associated with the following publications: (PMID: 31130284, 32552793, 25944381, 25707398, 34345024)

Labcorp Genetics (formerly Invitae), Labcorp
Classification: Pathogenic for DYRK1A-related intellectual disability syndrome. Last evaluated: 2021-08-03. Review status: criteria provided, single submitter. Criteria: Invitae Variant Classification Sherloc (09022015). Collection method: clinical testing. Allele origin: germline.
Comment: For these reasons, this variant has been classified as Pathogenic. Algorithms developed to predict the effect of sequence changes on RNA splicing suggest that this variant may disrupt the consensus splice site. ClinVar contains an entry for this variant (Variation ID: 666564). Disruption of this splice site has been observed in individual(s) with clinical features of DYRK1A-related conditions (PMID: 25707398, 31130284). In at least one individual the variant was observed to be de novo. This variant is not present in population databases (ExAC no frequency). This sequence change affects an acceptor splice site in intron 8 of the DYRK1A gene. It is expected to disrupt RNA splicing. Variants that disrupt the donor or acceptor splice site typically lead to a loss of protein function (PMID: 16199547), and loss-of-function variants in DYRK1A are known to be pathogenic (PMID: 25944381).

Equipe Genetique des Anomalies du Developpement, Université de Bourgogne
Classification: Likely pathogenic for DYRK1A-related intellectual disability syndrome. Last evaluated: 2018-06-26. Review status: criteria provided, single submitter. Criteria: ACMG Guidelines, 2015. Collection method: clinical testing. Allele origin: de novo. Affected: yes.

Neuberg Centre For Genomic Medicine, NCGM
Classification: Pathogenic for DYRK1A-related intellectual disability syndrome. Review status: criteria provided, single submitter. Criteria: ACMG Guidelines, 2015. Collection method: clinical testing. Allele origin: germline. Inheritance: Autosomal dominant inheritance. Affected: yes.
Comment: The invariant splice acceptor c.1213-2A>G variant in DYRK1A gene has been reported previously in heterozygous state in individuals affected with DYRK1A-related disorders (van Bon et al., 2016; Monies et al., 2019). The c.1213-2A>G variant is absent in gnomAD Exomes. This variant has been submitted to the ClinVar database as Likely Pathogenic/ Pathogenic. The SpliceAI predicts a score of 1.00 for this variant. Loss of function variants in DYRK1A gene have been previously reported to be pathogenic (Ji et al., 2015). For these reasons, this variant has been classified as Pathogenic.

PreventionGenetics, part of Exact Sciences
Classification: Pathogenic for DYRK1A-related condition. Last evaluated: 2023-12-19. Review status: no assertion criteria provided. Collection method: clinical testing. Allele origin: germline. Not counted in ClinVar's aggregate classification.
Comment: The DYRK1A c.1240-2A>G variant is predicted to disrupt the AG splice acceptor site and interfere with normal splicing. This variant has been reported in at least two patients with autism spectrum disorder, intellectual disability, microcephaly, and developmental delay; and, confirmed to occur de novo (van Bon et al. 2016. PubMed ID: 25707398; Table S1, Monies et al. 2019. PubMed ID: 31130284; Table S1, Maddirevula et al. 2020. PubMed ID: 32552793; Courraud et al. 2021. PubMed ID: 34345024). This variant has not been reported in a large population database, indicating this variant is rare. Variants that disrupt the consensus splice acceptor site in DYRK1A are expected to be pathogenic. This variant is interpreted as pathogenic.

Literature cited by the submitters: PubMed 25707398 (cited by 3billion and Labcorp Genetics (formerly Invitae), Labcorp); PubMed 31130284 (cited by 3billion and Labcorp Genetics (formerly Invitae), Labcorp); PubMed 16199547 (cited by Labcorp Genetics (formerly Invitae), Labcorp); PubMed 25944381 (cited by Labcorp Genetics (formerly Invitae), Labcorp).

NM_001347721.2(DYRK1A):c.1213-2A>G

Gene: DYRK1A (dual specificity tyrosine phosphorylation regulated kinase 1A; plus strand). Cytogenetic location: 21q22.13.
Variant type: single nucleotide variant.
Coding change: c.1213-2A>G on transcript NM_001347721.2 (MANE Select); the canonical splice acceptor site of the intron before coding-DNA position 1213, A replaced by G.
Molecular consequence: splice acceptor variant.
Genome position (GRCh38, 1-based): chr21:37,505,281, A>G. VCF-style: chr21-37505281-A-G. GRCh37 (hg19) VCF-style: chr21-38877584-A-G.
Other names: c.1240-2A>G (NM_001396.5, NM_101395.2, NM_130438.2 and 1 more transcripts); c.1213-2A>G (NM_001347722.2, NM_130436.2); c.1126-2A>G (NM_001347723.2).
Identifiers: ClinVar variation 666564 (VCV000666564.11), dbSNP rs1601315812, ClinGen allele CA409937788.